The following is an entry in ClinVar:

ClinVar aggregate classification (germline): Likely benign. Review status: criteria provided, multiple submitters, no conflicts (2 of 4 stars). 2 submissions from 2 submitters: Likely benign (2). Last evaluated 2026-03-31.

Conditions:
CACNA1D-related disorder.

Allele frequency attached by ClinVar (database versions not stated): ExAC 0.00002; gnomAD exomes 0.00002; TOPMed 0.00003; gnomAD 0.00007.
gnomAD v4.1: 39 of 1,604,872 alleles (0.0024%); highest among the groups gnomAD compares: African/African-American, 0.011%; no homozygotes.

Submissions (2):

PreventionGenetics, part of Exact Sciences
Classification: Likely benign for CACNA1D-related condition. Last evaluated: 2026-03-31. Review status: criteria provided, single submitter. Criteria: ACMG Guidelines, 2015. Collection method: clinical testing. Allele origin: germline.
Comment: This variant is classified as likely benign based on ACMG/AMP sequence variant interpretation guidelines (Richards et al. 2015 PMID: 25741868, with internal and published modifications).

Labcorp Genetics (formerly Invitae), Labcorp
Classification: Likely benign. Last evaluated: 2025-10-08. Review status: criteria provided, single submitter. Criteria: Invitae Variant Classification Sherloc (09022015). Collection method: clinical testing. Allele origin: germline.

NM_001128840.3(CACNA1D):c.4793-7C>T

Gene: CACNA1D (calcium voltage-gated channel subunit alpha1 D; plus strand). Cytogenetic location: 3p21.1.
Variant type: single nucleotide variant.
Coding change: c.4793-7C>T on transcript NM_001128840.3 (MANE Select); 7 bases into the intron before coding-DNA position 4793, C replaced by T.
Molecular consequence: intron variant.
Genome position (GRCh38, 1-based): chr3:53,786,815, C>T. VCF-style: chr3-53786815-C-T. GRCh37 (hg19) VCF-style: chr3-53820842-C-T.
Other names: c.4748-7C>T (NM_001128839.3); c.4853-7C>T (NM_000720.4, NM_000720.3).
Identifiers: ClinVar variation 1594852 (VCV001594852.9), dbSNP rs769833618, ClinGen allele CA2454993.
Genomic context (GRCh38, chr3:53,786,815, plus strand): 5'-AGCAAGTGTTTAGGCTCTTGGTCTAATGTGCTGATTCGGGAGAGCTCTGTCTGGTCTCTC[C>T]GTTTAGATGATGAGGTAACCGTGGGGAAGTTCTATGCCACTTTCCTGATACAGGACTACT-3'